The following is an entry in ClinVar:

NM_001330260.2(SCN8A):c.1452C>T (p.Ser484=)

Gene: SCN8A (sodium voltage-gated channel alpha subunit 8; plus strand). Cytogenetic location: 12q13.13.
Variant type: single nucleotide variant.
Coding change: c.1452C>T on transcript NM_001330260.2 (MANE Select); coding-DNA position 1452, C replaced by T.
Protein change: p.Ser484=; no amino-acid change (serine 484 retained).
Molecular consequence: synonymous variant.
Genome position (GRCh38, 1-based): chr12:51,706,532, C>T. VCF-style: chr12-51706532-C-T. GRCh37 (hg19) VCF-style: chr12-52100316-C-T.
Other names: c.1452C>T, p.Ser484= (NM_001177984.3, NM_001369788.1, NM_014191.4).
Identifiers: ClinVar variation 1031804 (VCV001031804.1), dbSNP rs1941787074, ClinGen allele CA480029092.
Genomic context (GRCh38, chr12:51,706,532, plus strand): 5'-GGAAGAAGGTGAAGAAGGAGGGGGCTCCCCTCGGAGCTCTTCTGAAATCTCTAAACTCAG[C>T]TCAAAGAGTGCAAAGGAAAGACGTAACAGGAGAAAGAAGAGGAAGCAAAAGGAACTCTCT-3'
Protein context (NP_001317189.1, residues 474-494): PRSSSEISKL[Ser484=]SKSAKERRNR

ClinVar aggregate classification (germline): Uncertain significance (1 of 4 stars; one submission).

Conditions:
Developmental and epileptic encephalopathy, 13 (DEE13). Also called: Early infantile epileptic encephalopathy 13; Developmental and Epileptic Encephalopathy (SCN8A-DEE); SCN8A-Related Epilepsy. Identifiers: Orphanet 442835, MedGen C3281191, MONDO:0013801, OMIM 614558.

gnomAD v4.1: 1 of 1,605,826 alleles (0.000062%); no homozygotes.

Submission:

Baylor Genetics
Classification: Uncertain significance for Developmental and epileptic encephalopathy, 13. Last evaluated: 2018-07-30. Review status: criteria provided, single submitter. Criteria: ACMG Guidelines, 2015. Collection method: clinical testing. Allele origin: unknown. Affected: yes.
Comment: This variant was determined to be of uncertain significance according to ACMG Guidelines, 2015 [PMID:25741868].